The following is an entry in ClinVar:

ClinVar aggregate classification (germline): Uncertain significance. Review status: criteria provided, multiple submitters, no conflicts (2 of 4 stars). 7 submissions from 7 submitters: Uncertain significance (7). Last evaluated 2026-06-18.

Conditions:
MYBPC3-related disorder. Also called: MYBPC3-related disorders; MYBPC3-related condition; MYBPC3-related disease.
Cardiovascular phenotype. Identifiers: MedGen CN230736.
Hypertrophic cardiomyopathy. Also called: HYPERTROPHIC MYOCARDIOPATHY. Identifiers: Orphanet 217569, MedGen C0007194, MeSH D002312, MONDO:0005045, HP:0001639.

Allele frequency attached by ClinVar (database versions not stated): gnomAD exomes below 0.00001 and 0.00001; ExAC 0.00001; gnomAD 0.00001; TOPMed 0.00003.
gnomAD v4.1: 7 of 1,612,956 alleles (0.00043%); highest among the groups gnomAD compares: African/African-American, 0.008%; no homozygotes.

Submissions (7):

PreventionGenetics, part of Exact Sciences
Classification: Uncertain significance for MYBPC3-related condition. Last evaluated: 2026-06-18. Review status: criteria provided, single submitter. Criteria: ACMG Guidelines, 2015. Collection method: clinical testing. Allele origin: germline.
Comment: The MYBPC3 c.745T>C variant is predicted to result in the amino acid substitution p.Cys249Arg. This variant was reported in an individual from a dilated cardiomyopathy cohort (Table S1B in Walsh et al. 2017. PubMed ID: 27532257). This variant is reported in 0.013% of alleles in individuals of African descent in gnomAD. At this time, the clinical significance of this variant is uncertain due to the absence of conclusive functional and genetic evidence.

Labcorp Genetics (formerly Invitae), Labcorp
Classification: Uncertain significance for Hypertrophic cardiomyopathy. Last evaluated: 2026-01-14. Review status: criteria provided, single submitter. Criteria: Invitae Variant Classification Sherloc (09022015). Collection method: clinical testing. Allele origin: germline.
Comment: This sequence change replaces cysteine, which is neutral and slightly polar, with arginine, which is basic and polar, at codon 249 of the MYBPC3 protein (p.Cys249Arg). This variant is present in population databases (rs397516071, gnomAD 0.01%). This missense change has been observed in individual(s) with dilated cardiomyopathy (PMID: 27532257). ClinVar contains an entry for this variant (Variation ID: 42788). An algorithm developed to predict the effect of missense changes on protein structure and function (PolyPhen-2) suggests that this variant is likely to be tolerated. In summary, the available evidence is currently insufficient to determine the role of this variant in disease. Therefore, it has been classified as a Variant of Uncertain Significance.

All of Us Research Program, National Institutes of Health
Classification: Uncertain significance for Hypertrophic cardiomyopathy. Last evaluated: 2023-03-04. Review status: criteria provided, single submitter. Criteria: ACMG Guidelines, 2015. Collection method: clinical testing. Allele origin: germline. Inheritance: Autosomal dominant inheritance. Observed: 1 variant allele, 1 heterozygote.
Comment: This missense variant replaces cysteine with arginine at codon 249 of the MYBPC3 protein. Computational prediction suggests that this variant may not impact protein structure and function (internally defined REVEL score threshold <= 0.5, PMID: 27666373). To our knowledge, functional studies have not been reported for this variant. This variant has been reported in at least 1 individual affected with dilated cardiomyopathy (PMID: 27532257). This variant has been identified in 2/247004 chromosomes in the general population by the Genome Aggregation Database (gnomAD). The available evidence is insufficient to determine the role of this variant in disease conclusively. Therefore, this variant is classified as a Variant of Uncertain Significance.

This study involves interpretation of variants in research participants for the purpose of population health screening. Participant phenotype was not available at the time of variant classification. Additional details can be found in publication PMID: 35346344, PMCID: PMC8962531

Ambry Genetics
Classification: Uncertain significance for Cardiovascular phenotype. Last evaluated: 2020-07-02. Review status: criteria provided, single submitter. Criteria: Ambry Variant Classification Scheme 2023. Collection method: clinical testing. Allele origin: germline.

GeneDx
Classification: Uncertain significance. Last evaluated: 2019-06-06. Review status: criteria provided, single submitter. Criteria: GeneDx Variant Classification Process June 2021. Collection method: clinical testing. Allele origin: germline. Affected: yes.
Comment: Reported in association with DCM, although no clinical or segregation data were provided (Walsh et al., 2017); Reported in ClinVar as a variant of uncertain significance (ClinVar Variant ID# 42788; Landrum et al., 2016); Not observed at a significant frequency in large population cohorts (Lek et al., 2016); In silico analysis, which includes protein predictors and evolutionary conservation, supports that this variant does not alter protein structure/function; This variant is associated with the following publications: (PMID: 27532257)

Blueprint Genetics
Classification: Uncertain significance. Last evaluated: 2019-04-20. Review status: criteria provided, single submitter. Criteria: ACMG Guidelines, 2015. Collection method: clinical testing. Allele origin: germline.

Laboratory for Molecular Medicine, Mass General Brigham Personalized Medicine
Classification: Uncertain significance. Last evaluated: 2015-05-16. Review status: criteria provided, single submitter. Criteria: LMM Criteria. Collection method: clinical testing. Allele origin: germline. Observed: 3 variant alleles.
Comment: It has also been identified in 1/8044 African chromosomes by the Exome Aggregation Consortium (ExAC; dbSNP rs397516071). Computational prediction tools and conservation anal ysis do not provide strong support for or against an impact to the protein. In s ummary, the clinical significance of the p.Cys249Arg variant is uncertain.

Literature cited by the submitters: PubMed 27532257 (cited by Labcorp Genetics (formerly Invitae), Labcorp and All of Us Research Program, National Institutes of Health).

NM_000256.3(MYBPC3):c.745T>C (p.Cys249Arg)

Gene: MYBPC3 (myosin binding protein C3; minus strand). Cytogenetic location: 11p11.2.
Variant type: single nucleotide variant.
Coding change: c.745T>C on transcript NM_000256.3 (MANE Select); coding-DNA position 745, T replaced by C.
Protein change: p.Cys249Arg; replaces cysteine 249 with arginine.
Molecular consequence: missense variant.
Genome position (GRCh38, 1-based): chr11:47,348,451, A>G on the plus strand (T>C on the coding strand, the complement: MYBPC3 is on the minus strand). VCF-style: chr11-47348451-A-G. GRCh37 (hg19) VCF-style: chr11-47370002-A-G.
Other names: short protein forms C249R.
Identifiers: ClinVar variation 42788 (VCV000042788.22), dbSNP rs397516071, ClinGen allele CA015771.
Genomic context (GRCh38, chr11:47,348,451, plus strand): 5'-CCGAGCCCAGGACAGACACCAGGGCCCCCTCACCGTGGACAGTGAGATTGAAGTTGGAGC[A>G]GTCAAATTTGTCCTTGGTGGACACCTCACAGCGGTAGCTGCCAGTGAAGGCAGGCTGGGC-3'
Protein context (NP_000247.2, residues 239-259): CEVSTKDKFD[Cys249Arg]SNFNLTVHEA